The following is an entry in ClinVar:

NM_017534.6(MYH2):c.5323C>G (p.Leu1775Val)

Genes: MYH2 (myosin heavy chain 2; minus strand), MYHAS (myosin heavy chain gene cluster antisense RNA; plus strand). Cytogenetic location: 17p13.1.
Variant type: single nucleotide variant.
Coding change: c.5323C>G on transcript NM_017534.6 (MANE Select); coding-DNA position 5323, C replaced by G.
Protein change: p.Leu1775Val; replaces leucine 1775 with valine.
Molecular consequence: missense variant.
Genome position (GRCh38, 1-based): chr17:10,523,645, G>C on the plus strand (C>G on the coding strand, the complement: MYH2 is on the minus strand). VCF-style: chr17-10523645-G-C. GRCh37 (hg19) VCF-style: chr17-10426962-G-C.
Other names: c.5323C>G, p.Leu1775Val (NM_001100112.2); short protein forms L1775V.
Identifiers: ClinVar variation 953382 (VCV000953382.8), dbSNP rs753602134, ClinGen allele CA8390423.

ClinVar aggregate classification (germline): Uncertain significance. Review status: criteria provided, multiple submitters, no conflicts (2 of 4 stars). 2 submissions from 2 submitters: Uncertain significance (2). Last evaluated 2025-10-31.

Conditions:
Myopathy, proximal, and ophthalmoplegia (CMYO6). Also called: MYOPATHY WITH CONGENITAL JOINT CONTRACTURES, OPHTHALMOPLEGIA, AND RIMMED VACUOLES; CONGENITAL MYOPATHY 6 WITH OPHTHALMOPLEGIA; INCLUSION BODY MYOPATHY 3, AUTOSOMAL DOMINANT. Identifiers: Orphanet 363677, Orphanet 79091, MedGen C1854106, MONDO:0011577, OMIM 605637.

Allele frequency attached by ClinVar (database versions not stated): gnomAD 0.00001; TOPMed 0.00001; ExAC 0.00002; gnomAD exomes 0.00002.
gnomAD v4.1: 18 of 1,614,062 alleles (0.0011%); highest among the groups gnomAD compares: Admixed American, 0.0017%; no homozygotes.

Submissions (2):

Labcorp Genetics (formerly Invitae), Labcorp
Classification: Uncertain significance for Myopathy, proximal, and ophthalmoplegia. Last evaluated: 2025-10-31. Review status: criteria provided, single submitter. Criteria: Invitae Variant Classification Sherloc (09022015). Collection method: clinical testing. Allele origin: germline.
Comment: This sequence change replaces leucine, which is neutral and non-polar, with valine, which is neutral and non-polar, at codon 1775 of the MYH2 protein (p.Leu1775Val). This variant is present in population databases (rs753602134, gnomAD 0.004%). This variant has not been reported in the literature in individuals affected with MYH2-related conditions. ClinVar contains an entry for this variant (Variation ID: 953382). Invitae Evidence Modeling of protein sequence and biophysical properties (such as structural, functional, and spatial information, amino acid conservation, physicochemical variation, residue mobility, and thermodynamic stability) indicates that this missense variant is not expected to disrupt MYH2 protein function with a negative predictive value of 80%. In summary, the available evidence is currently insufficient to determine the role of this variant in disease. Therefore, it has been classified as a Variant of Uncertain Significance.

GeneDx
Classification: Uncertain significance. Last evaluated: 2025-01-06. Review status: criteria provided, single submitter. Criteria: GeneDx Variant Classification Process June 2021. Collection method: clinical testing. Allele origin: germline. Affected: yes.
Comment: Has not been previously published as pathogenic or benign to our knowledge; In silico analysis indicates that this missense variant does not alter protein structure/function